The following is an entry in ClinVar:

ClinVar aggregate classification (germline): Uncertain significance. Review status: criteria provided, multiple submitters, no conflicts (2 of 4 stars). 2 submissions from 2 submitters: Uncertain significance (2). Last evaluated 2025-07-12.

Conditions:
Malignant hyperthermia, susceptibility to, 5 (MHS5). Also called: CACNA1S-Related Malignant Hyperthermia Susceptibility. Identifiers: Orphanet 423, MedGen C1866077, MONDO:0011163, OMIM 601887.

Submissions (2):

GeneDx
Classification: Uncertain significance. Last evaluated: 2025-07-12. Review status: criteria provided, single submitter. Criteria: GeneDx Variant Classification Process June 2021. Collection method: clinical testing. Allele origin: germline. Affected: yes.
Comment: Not observed at significant frequency in large population cohorts (gnomAD); In silico analysis supports that this missense variant has a deleterious effect on protein structure/function; Has not been previously published as pathogenic or benign to our knowledge

Color Diagnostics, LLC DBA Color Health
Classification: Uncertain significance for Malignant hyperthermia, susceptibility to, 5. Last evaluated: 2025-06-09. Review status: criteria provided, single submitter. Criteria: ACMG Guidelines, 2015. Collection method: clinical testing. Allele origin: germline.
Comment: This missense variant replaces aspartic acid with asparagine at codon 1458 of the CACNA1S protein. Computational prediction suggests that this variant may not impact protein structure and function. To our knowledge, functional studies have not been reported for this variant. This variant has not been reported in individuals affected with CACNA1S-related disorders in the literature. This variant has been identified in 1/250632 chromosomes in the general population by the Genome Aggregation Database (gnomAD). The available evidence is insufficient to determine the role of this variant in disease conclusively. Therefore, this variant is classified as a Variant of Uncertain Significance.

NM_000069.3(CACNA1S):c.4372G>A (p.Asp1458Asn)

Gene: CACNA1S (calcium voltage-gated channel subunit alpha1 S; minus strand). Cytogenetic location: 1q32.1.
Variant type: single nucleotide variant.
Coding change: c.4372G>A on transcript NM_000069.3 (MANE Select); coding-DNA position 4372, G replaced by A.
Protein change: p.Asp1458Asn; replaces aspartic acid 1458 with asparagine.
Molecular consequence: missense variant.
Genome position (GRCh38, 1-based): chr1:201,048,651, C>T on the plus strand (G>A on the coding strand, the complement: CACNA1S is on the minus strand). VCF-style: chr1-201048651-C-T. GRCh37 (hg19) VCF-style: chr1-201017779-C-T.
Other names: short protein forms D1458N.
Identifiers: ClinVar variation 4685417 (VCV004685417.2).
Genomic context (GRCh38, chr1:201,048,651, plus strand): 5'-TGATCTTGAGTGCCGTGCGGACCAGGGCAAAGAGTGTGGCATTGAAGGTGACTGTGCCGT[C>T]GCTGTTCAGGGGCATGTTCATGCCCACCAGCCGCTGTACAGGGAGACGCAGTGGCCTGCC-3'
Protein context (NP_000060.2, residues 1448-1468): LVGMNMPLNS[Asp1458Asn]GTVTFNATLF